The following is an entry in ClinVar:

NM_001261826.3(AP3D1):c.2647C>T (p.Pro883Ser)

Gene: AP3D1 (adaptor related protein complex 3 subunit delta 1; minus strand). Cytogenetic location: 19p13.3.
Variant type: single nucleotide variant.
Coding change: c.2647C>T on transcript NM_001261826.3 (MANE Select); coding-DNA position 2647, C replaced by T.
Protein change: p.Pro883Ser; replaces proline 883 with serine.
Molecular consequence: missense variant. On other transcripts: intron variant (1).
Genome position (GRCh38, 1-based): chr19:2,113,368, G>A on the plus strand (C>T on the coding strand, the complement: AP3D1 is on the minus strand). VCF-style: chr19-2113368-G-A. GRCh37 (hg19) VCF-style: chr19-2113367-G-A.
Other names: p.Pro883Ser; c.2601+757C>T (NM_003938.5, NM_003938.8); c.2647C>T, p.Pro883Ser (NM_001374799.1); short protein forms P883S.
Identifiers: ClinVar variation 1387843 (VCV001387843.9), dbSNP rs12974832, ClinGen allele CA304152490.
Genomic context (GRCh38, chr19:2,113,368, plus strand): 5'-TGGCACTGGCCAGCTGCCAGTCTCTTACCGTGGATGGAACGGGGGCGGGGGCGGGGGCGG[G>A]GGCAGGCGGTGGGGTGGTAGACAGCCAGAAGTCCAGGTCCTCAGCCTGAAACCACAAGAC-3'
Protein context (NP_001248755.1, residues 873-893): FWLSTTPPPA[Pro883Ser]APAPAPVPST

ClinVar aggregate classification (germline): Uncertain significance. Review status: criteria provided, multiple submitters, no conflicts (2 of 4 stars). 3 submissions from 3 submitters: Uncertain significance (3). Last evaluated 2025-12-01.

Conditions:
Inborn genetic diseases. Identifiers: MedGen C0950123, MeSH D030342.

Allele frequency attached by ClinVar (database versions not stated): gnomAD exomes 0.00001 and 0.00015; gnomAD 0.00006 and 0.00007; TOPMed 0.00015.
gnomAD v4.1: 27 of 1,425,164 alleles (0.0019%); highest among the groups gnomAD compares: Admixed American, 0.068%; no homozygotes.

Submissions (3):

Labcorp Genetics (formerly Invitae), Labcorp
Classification: Uncertain significance. Last evaluated: 2025-12-01. Review status: criteria provided, single submitter. Criteria: Invitae Variant Classification Sherloc (09022015). Collection method: clinical testing. Allele origin: germline.
Comment: This sequence change replaces proline, which is neutral and non-polar, with serine, which is neutral and polar, at codon 883 of the AP3D1 protein (p.Pro883Ser). The frequency data for this variant in the population databases is considered unreliable, as metrics indicate poor data quality at this position in the gnomAD database. This variant has not been reported in the literature in individuals affected with AP3D1-related conditions. ClinVar contains an entry for this variant (Variation ID: 1387843). An algorithm developed to predict the effect of missense changes on protein structure and function outputs the following: PolyPhen-2: "Benign". The serine amino acid residue is found in multiple mammalian species, which suggests that this missense change does not adversely affect protein function. In summary, the available evidence is currently insufficient to determine the role of this variant in disease. Therefore, it has been classified as a Variant of Uncertain Significance.

Mayo Clinic Laboratories, Mayo Clinic
Classification: Uncertain significance. Last evaluated: 2024-05-30. Review status: criteria provided, single submitter. Criteria: ACMG Guidelines, 2015. Collection method: clinical testing. Allele origin: germline. Observed: 1 variant allele.
Comment: BP4

Ambry Genetics
Classification: Uncertain significance for Inborn genetic diseases. Last evaluated: 2021-04-01. Review status: criteria provided, single submitter. Criteria: Ambry General Variant Classification Scheme_2022. Collection method: clinical testing. Allele origin: germline. Observed: 1 variant allele.
Comment: The c.2601+757C>T intronic alteration consists of a C to T substitution 757 nucleotides after exon 22 (coding exon 22) of the AP3D1 gene. Based on insufficient or conflicting evidence, the clinical significance of this alteration remains unclear.